The following is an entry in ClinVar:

NM_001374385.1(ATP8B1):c.2285+32A>G

Genes: ATP8B1 (ATPase phospholipid transporting 8B1; minus strand), ATP8B1-AS1 (ATP8B1 antisense RNA 1; plus strand). Cytogenetic location: 18q21.31.
Variant type: single nucleotide variant.
Coding change: c.2285+32A>G on transcript NM_001374385.1 (MANE Select); 32 bases into the intron after coding-DNA position 2285, A replaced by G.
Molecular consequence: intron variant.
Genome position (GRCh38, 1-based): chr18:57,667,060, T>C on the plus strand (A>G on the coding strand, the complement: ATP8B1 is on the minus strand). VCF-style: chr18-57667060-T-C. GRCh37 (hg19) VCF-style: chr18-55334292-T-C.
Other names: c.2285+32A>G (NM_005603.6); c.2135+32A>G (NM_001374386.1).
Identifiers: ClinVar variation 4846315 (VCV004846315.1).

ClinVar aggregate classification (germline): Benign (1 of 4 stars; one submission).

Conditions:
Familial intrahepatic cholestasis. Identifiers: Orphanet 284385, MedGen CN296401, MONDO:0017290.

gnomAD v4.1: 1,768 of 1,553,932 alleles (0.11%); highest among the groups gnomAD compares: Middle Eastern, 0.82%; 14 homozygotes.

Submission:

Genomenon, Inc
Classification: Benign for Familial intrahepatic cholestasis. Last evaluated: 2026-04-14. Review status: criteria provided, single submitter. Criteria: Genomenon Sequence Variant Interpretation Standards - Updated. Collection method: curation. Allele origin: germline. Affected: no.
Comment: ATP8B1 c.2285+32A>G is an intronic variant located in intron 20. This variant is present at high allele frequency in population databases. In conclusion, we classify ATP8B1 c.2285+32A>G as a benign variant.